The following is an entry in ClinVar:

ClinVar aggregate classification (germline): Uncertain significance (1 of 4 stars; one submission).

Submission:

GeneDx
Classification: Uncertain significance. Last evaluated: 2025-01-31. Review status: criteria provided, single submitter. Criteria: GeneDx Variant Classification Process June 2021. Collection method: clinical testing. Allele origin: germline. Affected: yes.
Comment: Not observed at significant frequency in large population cohorts (gnomAD); In-frame deletion of 1 amino acid in a non-repeat region; In silico analysis supports a deleterious effect on protein structure/function; Has not been previously published as pathogenic or benign to our knowledge

NM_003672.4(CDC14A):c.742TTC[1] (p.Phe249del)

Gene: CDC14A (cell division cycle 14A; plus strand). Cytogenetic location: 1p21.2.
Variant type: Microsatellite.
Coding change: c.742TTC[1] on transcript NM_003672.4 (MANE Select); one copy of the 3-base unit TTC starting at c.742; the reference has two copies in a row; one copy, 3 bases deleted.
Protein change: p.Phe249del; deletes phenylalanine 249.
Molecular consequence: 5 prime UTR variant (on NM_001319212.2).
Genome position (GRCh38, 1-based): chr1:100,462,788-100,462,790, TTC deleted; deleting any 3 consecutive bases within chr1:100,462,783-100,462,790 gives the same sequence; the position shown is the placement nearest the transcript's 3' end. VCF-style (leftmost placement, unchanged base first): chr1-100462782-CTCT-C. GRCh37 (hg19) VCF-style: chr1-100928338-CTCT-C.
Other names: c.742TTC[1], p.Phe249del (NM_001319210.2, NM_033312.3, NM_033313.3); c.568TTC[1], p.Phe191del (NM_001319211.2); c.-138TTC[1] (NM_001319212.2); short protein forms F191del, F249del.
Identifiers: ClinVar variation 4072595 (VCV004072595.1).